The following is an entry in ClinVar:

NM_005477.3(HCN4):c.1368G>A (p.Met456Ile)

Gene: HCN4 (hyperpolarization activated cyclic nucleotide gated potassium channel 4; minus strand). Cytogenetic location: 15q24.1.
Variant type: single nucleotide variant.
Coding change: c.1368G>A on transcript NM_005477.3 (MANE Select); coding-DNA position 1368, G replaced by A.
Protein change: p.Met456Ile; replaces methionine 456 with isoleucine.
Molecular consequence: missense variant.
Genome position (GRCh38, 1-based): chr15:73,332,134, C>T on the plus strand (G>A on the coding strand, the complement: HCN4 is on the minus strand). VCF-style: chr15-73332134-C-T. GRCh37 (hg19) VCF-style: chr15-73624475-C-T.
Other names: short protein forms M456I.
Identifiers: ClinVar variation 2006390 (VCV002006390.4), dbSNP rs2549072028, ClinGen allele CA393094234.

ClinVar aggregate classification (germline): Uncertain significance (1 of 4 stars; one submission).

Conditions:
Brugada syndrome 8 (BRGDA8). Identifiers: Orphanet 130, MedGen C2751083, MONDO:0013148, OMIM 613123.

Submission:

Labcorp Genetics (formerly Invitae), Labcorp
Classification: Uncertain significance for Brugada syndrome 8. Last evaluated: 2025-04-27. Review status: criteria provided, single submitter. Criteria: Invitae Variant Classification Sherloc (09022015). Collection method: clinical testing. Allele origin: germline.
Comment: This sequence change replaces methionine, which is neutral and non-polar, with isoleucine, which is neutral and non-polar, at codon 456 of the HCN4 protein (p.Met456Ile). This variant is not present in population databases (gnomAD no frequency). This variant has not been reported in the literature in individuals affected with HCN4-related conditions. ClinVar contains an entry for this variant (Variation ID: 2006390). Invitae Evidence Modeling of protein sequence and biophysical properties (such as structural, functional, and spatial information, amino acid conservation, physicochemical variation, residue mobility, and thermodynamic stability) has been performed for this missense variant. However, the output from this modeling did not meet the statistical confidence thresholds required to predict the impact of this variant on HCN4 protein function. In summary, the available evidence is currently insufficient to determine the role of this variant in disease. Therefore, it has been classified as a Variant of Uncertain Significance.